The following is an entry in ClinVar:

ClinVar aggregate classification (germline): Uncertain significance (1 of 4 stars; one submission).

Submission:

Labcorp Genetics (formerly Invitae), Labcorp
Classification: Uncertain significance. Last evaluated: 2022-07-29. Review status: criteria provided, single submitter. Criteria: Invitae Variant Classification Sherloc (09022015). Collection method: clinical testing. Allele origin: germline.
Comment: Algorithms developed to predict the effect of missense changes on protein structure and function (SIFT, PolyPhen-2, Align-GVGD) all suggest that this variant is likely to be disruptive. In summary, the available evidence is currently insufficient to determine the role of this variant in disease. Therefore, it has been classified as a Variant of Uncertain Significance. This variant has not been reported in the literature in individuals affected with REST-related conditions. This variant is not present in population databases (gnomAD no frequency). This sequence change replaces histidine, which is basic and polar, with tyrosine, which is neutral and polar, at codon 294 of the REST protein (p.His294Tyr).

NM_005612.5(REST):c.880C>T (p.His294Tyr)

Gene: REST (RE1 silencing transcription factor; plus strand). Cytogenetic location: 4q12.
Variant type: single nucleotide variant.
Coding change: c.880C>T on transcript NM_005612.5 (MANE Select); coding-DNA position 880, C replaced by T.
Protein change: p.His294Tyr; replaces histidine 294 with tyrosine.
Molecular consequence: missense variant.
Genome position (GRCh38, 1-based): chr4:56,911,518, C>T. VCF-style: chr4-56911518-C-T. GRCh37 (hg19) VCF-style: chr4-57777684-C-T.
Other names: c.880C>T, p.His294Tyr (NM_001193508.2, NM_001363453.3); short protein forms H294Y.
Identifiers: ClinVar variation 1714185 (VCV001714185.5), dbSNP rs2475801295, ClinGen allele CA357005047.
Genomic context (GRCh38, chr4:56,911,518, plus strand): 5'-AAAGTATACACATGTGGAAAATGCAACTATTTTTCAGACAGAAAAAACAATTATGTTCAG[C>T]ATGTTAGAACTCATACAGGTAAGAGAAGCTTTCTAGTCCATAAGTTCAGTTCTCTTTTCT-3'
Protein context (NP_005603.3, residues 284-304): FSDRKNNYVQ[His294Tyr]VRTHTGERPY